The following is an entry in ClinVar:

ClinVar aggregate classification (germline): Uncertain significance (1 of 4 stars; one submission).

Submission:

Labcorp Genetics (formerly Invitae), Labcorp
Classification: Uncertain significance. Last evaluated: 2025-06-10. Review status: criteria provided, single submitter. Criteria: Invitae Variant Classification Sherloc (09022015). Collection method: clinical testing. Allele origin: germline.
Comment: This sequence change replaces leucine, which is neutral and non-polar, with proline, which is neutral and non-polar, at codon 6 of the ATPAF2 protein (p.Leu6Pro). Information on the frequency of this variant in the gnomAD database is not available, as this variant may be reported differently in the database. This variant has not been reported in the literature in individuals affected with ATPAF2-related conditions. An algorithm developed to predict the effect of missense changes on protein structure and function (PolyPhen-2) suggests that this variant is likely to be tolerated. In summary, the available evidence is currently insufficient to determine the role of this variant in disease. Therefore, it has been classified as a Variant of Uncertain Significance.

NM_145691.4(ATPAF2):c.17_18delinsCT (p.Leu6Pro)

Gene: ATPAF2 (ATP synthase mitochondrial F1 complex assembly factor 2; minus strand). Cytogenetic location: 17p11.2.
Variant type: Indel.
Coding change: c.17_18delinsCT on transcript NM_145691.4 (MANE Select); coding-DNA positions 17 to 18, TC replaced by CT.
Protein change: p.Leu6Pro; replaces leucine 6 with proline.
Molecular consequence: missense variant.
Genome position (GRCh38, 1-based): chr17:18,038,996-18,038,997, GA replaced by AG on the plus strand (TC replaced by CT on the coding strand, the reverse complement: ATPAF2 is on the minus strand). VCF-style: chr17-18038996-GA-AG. GRCh37 (hg19) VCF-style: chr17-17942310-GA-AG.
Other names: short protein forms L6P.
Identifiers: ClinVar variation 4710511 (VCV004710511.1).
Genomic context (GRCh38, chr17:18,038,996, plus strand): 5'-AGAAGCGCTGGGGCCACCCGCCGGCCGATTCAGGAGACGGCGTCCCCCGTCCCGCAGCCG[GA>AG]GGCAGCTCCTCCACATCGCGCCCGAGGGTCTGGGAAGATGCGAGACGCGAAACCTGGAGC-3'
Protein context (NP_663729.1, residues 1-16): MWRSC[Leu6Pro]RLRDGGRRLL